The following is an entry in ClinVar:

NM_001375462.1(LPP):c.467C>T (p.Thr156Ile)

Gene: LPP (LIM domain containing preferred translocation partner in lipoma; plus strand). Cytogenetic location: 3q28.
Variant type: single nucleotide variant.
Coding change: c.467C>T on transcript NM_001375462.1 (MANE Select); coding-DNA position 467, C replaced by T.
Protein change: p.Thr156Ile; replaces threonine 156 with isoleucine.
Molecular consequence: missense variant. On other transcripts: 5 prime UTR variant (2), non-coding transcript variant (1).
Genome position (GRCh38, 1-based): chr3:188,609,198, C>T. VCF-style: chr3-188609198-C-T. GRCh37 (hg19) VCF-style: chr3-188326986-C-T.
Other names: c.467C>T, p.Thr156Ile (NM_001167671.3, NM_001167672.3, NM_001375455.1 and 29 more transcripts); c.-23C>T (NM_001387675.1, NM_001387676.1); c.467C>T (NM_005578.4); short protein forms T156I.
Identifiers: ClinVar variation 2295481 (VCV002295481.3), dbSNP rs1472314713, ClinGen allele CA355853488.

ClinVar aggregate classification (germline): Uncertain significance. Review status: criteria provided, single submitter (1 of 4 stars). 2 submissions from 2 submitters: Uncertain significance (1). 1 of the submissions does not count toward it. Last evaluated 2022-06-13.

Conditions:
LPP-related disorder. Also called: LPP-related condition.

Allele frequency attached by ClinVar (database versions not stated): gnomAD exomes below 0.00001; gnomAD 0.00001; TOPMed 0.00003.
gnomAD v4.1: 7 of 1,613,462 alleles (0.00043%); highest among the groups gnomAD compares: Admixed American, 0.005%; no homozygotes.

Submissions (2):

Ambry Genetics
Classification: Uncertain significance. Last evaluated: 2022-06-13. Review status: criteria provided, single submitter. Criteria: Ambry Variant Classification Scheme 2023. Collection method: clinical testing. Allele origin: germline.

PreventionGenetics, part of Exact Sciences
Classification: Uncertain significance for LPP-related condition. Last evaluated: 2024-04-16. Review status: no assertion criteria provided. Collection method: clinical testing. Allele origin: germline. Not counted in ClinVar's aggregate classification.
Comment: The LPP c.467C>T variant is predicted to result in the amino acid substitution p.Thr156Ile. To our knowledge, this variant has not been reported in the literature. This variant is reported in 0.0058% of alleles in individuals of Latino descent in gnomAD. At this time, the clinical significance of this variant is uncertain due to the absence of conclusive functional and genetic evidence.